The following is an entry in ClinVar:

NM_001256789.3(CACNA1F):c.290T>G (p.Leu97Arg)

Gene: CACNA1F (calcium voltage-gated channel subunit alpha1 F; minus strand). Cytogenetic location: Xp11.23.
Variant type: single nucleotide variant.
Coding change: c.290T>G on transcript NM_001256789.3 (MANE Select); coding-DNA position 290, T replaced by G.
Protein change: p.Leu97Arg; replaces leucine 97 with arginine.
Molecular consequence: missense variant.
Genome position (GRCh38, 1-based): chrX:49,231,293, A>C on the plus strand (T>G on the coding strand, the complement: CACNA1F is on the minus strand). VCF-style: chrX-49231293-A-C. GRCh37 (hg19) VCF-style: chrX-49087755-A-C.
Other names: c.95T>G, p.Leu32Arg (NM_001256790.3); c.290T>G, p.Leu97Arg (NM_005183.4); short protein forms L97R, L32R.
Identifiers: ClinVar variation 2109995 (VCV002109995.4), dbSNP rs2519141415, ClinGen allele CA412926819.

ClinVar aggregate classification (germline): Uncertain significance (1 of 4 stars; one submission).

Submission:

Labcorp Genetics (formerly Invitae), Labcorp
Classification: Uncertain significance. Last evaluated: 2022-03-12. Review status: criteria provided, single submitter. Criteria: Invitae Variant Classification Sherloc (09022015). Collection method: clinical testing. Allele origin: germline.
Comment: This variant is not present in population databases (gnomAD no frequency). In summary, the available evidence is currently insufficient to determine the role of this variant in disease. Therefore, it has been classified as a Variant of Uncertain Significance. Algorithms developed to predict the effect of missense changes on protein structure and function (SIFT, PolyPhen-2, Align-GVGD) all suggest that this variant is likely to be disruptive. This variant has not been reported in the literature in individuals affected with CACNA1F-related conditions. This sequence change replaces leucine, which is neutral and non-polar, with arginine, which is basic and polar, at codon 97 of the CACNA1F protein (p.Leu97Arg).